The following is an entry in ClinVar:

NM_001048174.2(MUTYH):c.625G>A (p.Gly209Ser)

Gene: MUTYH (mutY DNA glycosylase; minus strand). Cytogenetic location: 1p34.1.
Variant type: single nucleotide variant.
Coding change: c.625G>A on transcript NM_001048174.2 (MANE Select); coding-DNA position 625, G replaced by A.
Protein change: p.Gly209Ser; replaces glycine 209 with serine.
Molecular consequence: missense variant. On other transcripts: non-coding transcript variant (2).
Genome position (GRCh38, 1-based): chr1:45,332,470, C>T on the plus strand (G>A on the coding strand, the complement: MUTYH is on the minus strand). VCF-style: chr1-45332470-C-T. GRCh37 (hg19) VCF-style: chr1-45798142-C-T.
Other names: c.625G>A, p.Gly209Ser (NM_001048171.2, NM_001048173.2, NM_001293195.2); c.628G>A, p.Gly210Ser (NM_001048172.2); c.709G>A, p.Gly237Ser (NM_001128425.2); c.670G>A, p.Gly224Ser (NM_001293190.2); c.658G>A, p.Gly220Ser (NM_001293191.2); c.349G>A, p.Gly117Ser (NM_001293192.2, NM_001293196.2); c.280G>A, p.Gly94Ser (NM_001350650.2, NM_001350651.2); c.700G>A, p.Gly234Ser (NM_012222.3); short protein forms G210S, G94S, G117S, G209S, G224S, G234S, G237S, G220S.
Identifiers: ClinVar variation 925087 (VCV000925087.4), dbSNP rs1645099488, ClinGen allele CA340134899.

ClinVar aggregate classification (germline): Uncertain significance (1 of 4 stars; one submission).

Conditions:
Hereditary cancer-predisposing syndrome. Also called: Neoplastic Syndromes, Hereditary; Tumor predisposition; Hereditary Cancer Syndrome; Hereditary neoplastic syndrome. Identifiers: Orphanet 140162, MedGen C0027672, MeSH D009386, MONDO:0015356.

Submission:

Color Diagnostics, LLC DBA Color Health
Classification: Uncertain significance for Hereditary cancer-predisposing syndrome. Last evaluated: 2024-03-06. Review status: criteria provided, single submitter. Criteria: ACMG Guidelines, 2015. Collection method: clinical testing. Allele origin: germline.
Comment: This missense variant replaces glycine with serine at codon 237 of the MUTYH protein. Computational prediction tool suggests that this variant may have deleterious impact on protein structure and function (internally defined REVEL score threshold >=0.7, PMID: 27666373). Splice site prediction tools suggest that this variant may not impact RNA splicing. To our knowledge, functional studies have not been performed for this variant. This variant has not been reported in individuals affected with hereditary cancer in the literature. This variant has not been identified in the general population by the Genome Aggregation Database (gnomAD). The available evidence is insufficient to determine the role of this variant in disease conclusively. Therefore, this variant is classified as a Variant of Uncertain Significance.